The following is an entry in ClinVar:

NM_000222.3(KIT):c.919G>A (p.Val307Ile)

Gene: KIT (KIT proto-oncogene, receptor tyrosine kinase; plus strand). Cytogenetic location: 4q12.
Variant type: single nucleotide variant.
Coding change: c.919G>A on transcript NM_000222.3 (MANE Select); coding-DNA position 919, G replaced by A.
Protein change: p.Val307Ile; replaces valine 307 with isoleucine.
Molecular consequence: missense variant.
Genome position (GRCh38, 1-based): chr4:54,703,886, G>A. VCF-style: chr4-54703886-G-A. GRCh37 (hg19) VCF-style: chr4-55570052-G-A.
Other names: c.919G>A, p.Val307Ile (NM_001093772.2, NM_001385285.1, NM_001385286.1); c.922G>A, p.Val308Ile (NM_001385284.1, NM_001385288.1, NM_001385290.1 and 1 more transcripts); short protein forms V307I, V308I.
Identifiers: ClinVar variation 3230692 (VCV003230692.2), dbSNP rs2109693812, ClinGen allele CA356900187.

ClinVar aggregate classification (germline): Uncertain significance. Review status: criteria provided, multiple submitters, no conflicts (2 of 4 stars). 2 submissions from 2 submitters: Uncertain significance (2). Last evaluated 2025-08-20.

Conditions:
Hereditary cancer-predisposing syndrome. Also called: Neoplastic Syndromes, Hereditary; Tumor predisposition; Hereditary Cancer Syndrome; Hereditary neoplastic syndrome. Identifiers: Orphanet 140162, MedGen C0027672, MeSH D009386, MONDO:0015356.
Gastrointestinal stromal tumor. Also called: Gastrointestinal stromal tumor, somatic; Gastrointestinal stroma tumor. Identifiers: Orphanet 44890, MedGen C0238198, MeSH D046152, MONDO:0011719, OMIM 606764, HP:0100723.

Submissions (2):

Labcorp Genetics (formerly Invitae), Labcorp
Classification: Uncertain significance for Gastrointestinal stromal tumor. Last evaluated: 2025-08-20. Review status: criteria provided, single submitter. Criteria: Invitae Variant Classification Sherloc (09022015). Collection method: clinical testing. Allele origin: germline.
Comment: This sequence change replaces valine, which is neutral and non-polar, with isoleucine, which is neutral and non-polar, at codon 307 of the KIT protein (p.Val307Ile). This variant is not present in population databases (gnomAD no frequency). This variant has not been reported in the literature in individuals affected with KIT-related conditions. ClinVar contains an entry for this variant (Variation ID: 3230692). An algorithm developed to predict the effect of missense changes on protein structure and function (PolyPhen-2) suggests that this variant is likely to be disruptive. Algorithms developed to predict the effect of sequence changes on RNA splicing suggest that this variant may create or strengthen a splice site. In summary, the available evidence is currently insufficient to determine the role of this variant in disease. Therefore, it has been classified as a Variant of Uncertain Significance.

Ambry Genetics
Classification: Uncertain significance for Hereditary cancer-predisposing syndrome. Last evaluated: 2023-11-22. Review status: criteria provided, single submitter. Criteria: Ambry Variant Classification Scheme 2023. Collection method: clinical testing. Allele origin: germline.
Comment: The p.V307I variant (also known as c.919G>A), located in coding exon 5 of the KIT gene, results from a G to A substitution at nucleotide position 919. The valine at codon 307 is replaced by isoleucine, an amino acid with highly similar properties. This amino acid position is conserved. In addition, the in silico prediction for this alteration is inconclusive. Since supporting evidence is limited at this time, the clinical significance of this alteration remains unclear.